The following is an entry in ClinVar:

ClinVar aggregate classification (germline): Likely benign. Review status: criteria provided, multiple submitters, no conflicts (2 of 4 stars). 3 submissions from 3 submitters: Likely benign (3). Last evaluated 2026-01-30.

Conditions:
Inflammatory skin and bowel disease, neonatal, 1. Identifiers: Orphanet 294023, MedGen C3280501, MONDO:0013693, OMIM 614328.

Submissions (3):

Women's Health and Genetics/Laboratory Corporation of America, LabCorp
Classification: Likely benign. Last evaluated: 2026-01-30. Review status: criteria provided, single submitter. Criteria: LabCorp Variant Classification Summary - May 2015. Collection method: clinical testing. Allele origin: germline.
Comment: Variant summary: ADAM17 c.2134-23_2134-20delCAAT alters a nucleotide located at a position not widely known to affect splicing. Consensus agreement among computation tools predict no significant impact on normal splicing. However, these predictions have yet to be confirmed by functional studies. The variant allele was found at a frequency of 1.7e-05 in 234398 control chromosomes. The available data on variant occurrences in the general population are insufficient to allow any conclusion about variant significance. To our knowledge, no occurrence of c.2134-23_2134-20delCAAT in individuals affected with ADAM17-related conditions and no experimental evidence demonstrating its impact on protein function have been reported. ClinVar contains an entry for this variant (Variation ID: 1663848). Based on the evidence outlined above, the variant was classified as likely benign.

Labcorp Genetics (formerly Invitae), Labcorp
Classification: Likely benign for Inflammatory skin and bowel disease, neonatal, 1. Last evaluated: 2024-12-09. Review status: criteria provided, single submitter. Criteria: Invitae Variant Classification Sherloc (09022015). Collection method: clinical testing. Allele origin: germline.

Blueprint Genetics
Classification: Likely benign. Last evaluated: 2024-09-13. Review status: criteria provided, single submitter. Criteria: ACMG Guidelines, 2015. Collection method: clinical testing. Allele origin: germline.

NM_003183.6(ADAM17):c.2134-23_2134-20del

Genes: ADAM17 (ADAM metallopeptidase domain 17; minus strand), IAH1 (isoamyl acetate hydrolyzing esterase 1 (putative); plus strand). Cytogenetic location: 2p25.1.
Variant type: Microsatellite.
Coding change: c.2134-23_2134-20del on transcript NM_003183.6 (MANE Select); 23 bases into the intron before coding-DNA position 2134 through 20 bases into the intron before coding-DNA position 2134, 4 bases deleted (CAAT; older notation c.2134-23_2134-20delCAAT).
Molecular consequence: intron variant.
Genome position (GRCh38, 1-based): chr2:9,490,538-9,490,541, ATTG deleted on the plus strand (CAAT on the coding strand, the reverse complement: ADAM17 is on the minus strand); deleting any 4 consecutive bases within chr2:9,490,538-9,490,547 gives the same sequence; the c. name uses the placement nearest the transcript's 3' end. VCF-style (leftmost placement, unchanged base first): chr2-9490537-AATTG-A. GRCh37 (hg19) VCF-style: chr2-9630666-AATTG-A.
Other names: c.2134-23_2134-20delCAAT (NM_003183.6); c.1474-23_1474-20del (NM_001382777.1); c.1237-23_1237-20del (NM_001382778.1).
Identifiers: ClinVar variation 1663848 (VCV001663848.10), dbSNP rs761385025, ClinGen allele CA1523284.